The following is an entry in ClinVar:

NM_001383.6(DPH1):c.771C>A (p.Val257=)

Gene: DPH1 (diphthamide biosynthesis 1; plus strand). Cytogenetic location: 17p13.3.
Variant type: single nucleotide variant.
Coding change: c.771C>A on transcript NM_001383.6 (MANE Select); coding-DNA position 771, C replaced by A.
Protein change: p.Val257=; no amino-acid change (valine 257 retained).
Molecular consequence: synonymous variant. On other transcripts: non-coding transcript variant (3).
Genome position (GRCh38, 1-based): chr17:2,040,239, C>A. VCF-style: chr17-2040239-C-A. GRCh37 (hg19) VCF-style: chr17-1943533-C-A.
Other names: c.786C>A, p.Val262= (NM_001346574.1); c.753C>A, p.Val251= (NM_001346575.1); c.366C>A, p.Val122= (NM_001346576.2).
Identifiers: ClinVar variation 3052826 (VCV003052826.2), dbSNP rs1280854549, ClinGen allele CA497396705.
Genomic context (GRCh38, chr17:2,040,239, plus strand): 5'-CAGTGGCTGCCACAGTGACCCTGACTGCTTCTTTTCCAGGTATGACCCATATAGCAAAGT[C>A]CTATCCAGAGAACACTATGACCACCAGCGCATGCAGGCTGCTCGCCAAGAAGCCATAGCC-3'
Protein context (NP_001374.4, residues 247-267): PAYRYDPYSK[Val257=]LSREHYDHQR

ClinVar aggregate classification (germline): Likely benign (0 of 4 stars; one submission).

Conditions:
DPH1-related disorder. Also called: DPH1-related condition.

Allele frequency attached by ClinVar (database versions not stated): TOPMed below 0.00001.

Submission:

PreventionGenetics, part of Exact Sciences
Classification: Likely benign for DPH1-related condition. Last evaluated: 2019-08-21. Review status: no assertion criteria provided. Collection method: clinical testing. Allele origin: germline.
Comment: This variant is classified as likely benign based on ACMG/AMP sequence variant interpretation guidelines (Richards et al. 2015 PMID: 25741868, with internal and published modifications).